The following is an entry in ClinVar:

ClinVar aggregate classification (germline): Uncertain significance. Review status: criteria provided, multiple submitters, no conflicts (2 of 4 stars). 2 submissions from 2 submitters: Uncertain significance (2). Last evaluated 2023-10-01.

Conditions:
Retinal dystrophy. Also called: Inherited retinal dystrophy. Identifiers: Orphanet 71862, MedGen C0854723, MeSH D058499, MONDO:0019118, HP:0000556.

Allele frequency attached by ClinVar (database versions not stated): gnomAD exomes below 0.00001 and 0.00001; gnomAD 0.00001; TOPMed 0.00001.
gnomAD v4.1: 4 of 1,608,720 alleles (0.00025%); highest among the groups gnomAD compares: East Asian, 0.0045%; no homozygotes.

Submissions (2):

Dept Of Ophthalmology, Nagoya University
Classification: Uncertain significance for Retinal dystrophy. Last evaluated: 2023-10-01. Review status: criteria provided, single submitter. Criteria: Submitter's publication. Collection method: research. Allele origin: germline. Affected: yes.

Labcorp Genetics (formerly Invitae), Labcorp
Classification: Uncertain significance. Last evaluated: 2023-02-19. Review status: criteria provided, single submitter. Criteria: Invitae Variant Classification Sherloc (09022015). Collection method: clinical testing. Allele origin: germline.
Comment: ClinVar contains an entry for this variant (Variation ID: 1042987). In summary, the available evidence is currently insufficient to determine the role of this variant in disease. Therefore, it has been classified as a Variant of Uncertain Significance. Advanced modeling of protein sequence and biophysical properties (such as structural, functional, and spatial information, amino acid conservation, physicochemical variation, residue mobility, and thermodynamic stability) performed at Invitae indicates that this missense variant is not expected to disrupt PROM1 protein function. This variant has not been reported in the literature in individuals affected with PROM1-related conditions. This variant is present in population databases (no rsID available, gnomAD 0.003%). This sequence change replaces glutamic acid, which is acidic and polar, with valine, which is neutral and non-polar, at codon 539 of the PROM1 protein (p.Glu539Val).

NM_006017.3(PROM1):c.1616A>T (p.Glu539Val)

Gene: PROM1 (prominin 1; minus strand). Cytogenetic location: 4p15.32.
Variant type: single nucleotide variant.
Coding change: c.1616A>T on transcript NM_006017.3 (MANE Select); coding-DNA position 1616, A replaced by T.
Protein change: p.Glu539Val; replaces glutamic acid 539 with valine.
Molecular consequence: missense variant.
Genome position (GRCh38, 1-based): chr4:15,998,451, T>A on the plus strand (A>T on the coding strand, the complement: PROM1 is on the minus strand). VCF-style: chr4-15998451-T-A. GRCh37 (hg19) VCF-style: chr4-16000074-T-A.
Other names: c.1589A>T, p.Glu530Val (NM_001145847.2, NM_001145848.2, NM_001145851.2 and 4 more transcripts); c.1616A>T, p.Glu539Val (NM_001145849.2, NM_001145850.2); short protein forms E530V, E539V.
Identifiers: ClinVar variation 1042987 (VCV001042987.7), dbSNP rs866140263, ClinGen allele CA356431931.